The following is an entry in ClinVar:

ClinVar aggregate classification (germline): Uncertain significance (1 of 4 stars; one submission).

Allele frequency attached by ClinVar (database versions not stated): 1000 Genomes Project 30x 0.00016; gnomAD 0.00025; 1000 Genomes Project 0.00020; TOPMed 0.00027; gnomAD exomes 0.00051; ESP Exome Variant Server 0.00031; ExAC 0.00043.
gnomAD v4.1: 772 of 1,581,240 alleles (0.049%); highest among the groups gnomAD compares: Non-Finnish European, 0.061%; 1 homozygote.

Submission:

Labcorp Genetics (formerly Invitae), Labcorp
Classification: Uncertain significance. Last evaluated: 2025-08-03. Review status: criteria provided, single submitter. Criteria: Invitae Variant Classification Sherloc (09022015). Collection method: clinical testing. Allele origin: germline.
Comment: This sequence change replaces tyrosine, which is neutral and polar, with aspartic acid, which is acidic and polar, at codon 371 of the NFATC1 protein (p.Tyr371Asp). This variant is present in population databases (rs151234177, gnomAD 0.06%), and has an allele count higher than expected for a pathogenic variant. This variant has not been reported in the literature in individuals affected with NFATC1-related conditions. ClinVar contains an entry for this variant (Variation ID: 2757810). An algorithm developed to predict the effect of missense changes on protein structure and function (PolyPhen-2) suggests that this variant is likely to be tolerated. In summary, the available evidence is currently insufficient to determine the role of this variant in disease. Therefore, it has been classified as a Variant of Uncertain Significance.

NM_001278669.2(NFATC1):c.1111T>G (p.Tyr371Asp)

Gene: NFATC1 (nuclear factor of activated T cells 1; plus strand). Cytogenetic location: 18q23.
Variant type: single nucleotide variant.
Coding change: c.1111T>G on transcript NM_001278669.2 (MANE Select); coding-DNA position 1111, T replaced by G.
Protein change: p.Tyr371Asp; replaces tyrosine 371 with aspartic acid.
Molecular consequence: missense variant. On other transcripts: intron variant (2).
Genome position (GRCh38, 1-based): chr18:79,411,386, T>G. VCF-style: chr18-79411386-T-G. GRCh37 (hg19) VCF-style: chr18-77171386-T-G.
Other names: c.1111T>G, p.Tyr371Asp (NM_001278670.2, NM_006162.5, NM_172390.3); c.1072T>G, p.Tyr358Asp (NM_001278672.2, NM_172387.3, NM_172389.3 and 1 more transcripts); c.-191+15035T>G (NM_172388.3); c.-191+10907T>G (NM_001278673.2); short protein forms Y358D, Y371D.
Identifiers: ClinVar variation 2757810 (VCV002757810.3), dbSNP rs151234177, ClinGen allele CA9009042.